The following is an entry in ClinVar:

NM_000038.6(APC):c.858T>C (p.His286=)

Gene: APC (APC regulator of Wnt signaling pathway; plus strand). Cytogenetic location: 5q22.2.
Variant type: single nucleotide variant.
Coding change: c.858T>C on transcript NM_000038.6 (MANE Select); coding-DNA position 858, T replaced by C.
Protein change: p.His286=; no amino-acid change (histidine 286 retained).
Molecular consequence: synonymous variant.
Genome position (GRCh38, 1-based): chr5:112,815,518, T>C. VCF-style: chr5-112815518-T-C. GRCh37 (hg19) VCF-style: chr5-112151215-T-C.
Other names: c.681T>C, p.His227= (NM_001354900.2, NM_001354901.2, NM_001354905.2); c.888T>C, p.His296= (NM_001354902.2, NM_001354897.2); c.858T>C, p.His286= (NM_001354903.2, NM_001127510.3, NM_001354895.2 and 1 more transcripts); c.783T>C, p.His261= (NM_001354904.2, NM_001354898.2); c.9T>C, p.His3= (NM_001354906.2); c.804T>C, p.His268= (NM_001127511.3); c.774T>C, p.His258= (NM_001354899.2).
Identifiers: ClinVar variation 231755 (VCV000231755.19), dbSNP rs876659340, ClinGen allele CA10578300.

ClinVar aggregate classification (germline): Benign/Likely benign. Review status: criteria provided, multiple submitters, no conflicts (2 of 4 stars). 5 submissions from 5 submitters: Benign (1); Likely benign (4). Last evaluated 2025-11-17.

Conditions:
Hereditary cancer-predisposing syndrome. Also called: Neoplastic Syndromes, Hereditary; Tumor predisposition; Hereditary Cancer Syndrome; Hereditary neoplastic syndrome. Identifiers: Orphanet 140162, MedGen C0027672, MeSH D009386, MONDO:0015356.
Familial adenomatous polyposis 1 (FAP1). Also called: FAMILIAL ADENOMATOUS POLYPOSIS 1, ATTENUATED; POLYPOSIS, ADENOMATOUS INTESTINAL. Identifiers: MedGen C2713442, MONDO:0021056, OMIM 175100. Disease mechanism: loss of function.

Allele frequency attached by ClinVar (database versions not stated): gnomAD exomes below 0.00001.
gnomAD v4.1: 1 of 1,612,068 alleles (0.000062%); highest among the groups gnomAD compares: Non-Finnish European, 0.000085%; no homozygotes.

Submissions (5):

Labcorp Genetics (formerly Invitae), Labcorp
Classification: Likely benign for Familial adenomatous polyposis 1. Last evaluated: 2025-11-17. Review status: criteria provided, single submitter. Criteria: Invitae Variant Classification Sherloc (09022015). Collection method: clinical testing. Allele origin: germline.

Myriad Genetics, Inc.
Classification: Benign for Familial adenomatous polyposis 1. Last evaluated: 2024-02-27. Review status: criteria provided, single submitter. Criteria: Myriad Autosomal Dominant, Autosomal Recessive and X-Linked Classification Criteria (2023). Collection method: clinical testing. Allele origin: unknown.
Comment: This variant is considered benign. This variant is a silent/synonymous amino acid change and it is not expected to impact splicing.

GeneDx
Classification: Likely benign. Last evaluated: 2019-05-21. Review status: criteria provided, single submitter. Criteria: GeneDx Variant Classification Process June 2021. Collection method: clinical testing. Allele origin: germline. Affected: yes.
Comment: Not observed at a significant frequency in large population cohorts (Lek et al., 2016)

Color Diagnostics, LLC DBA Color Health
Classification: Likely benign for Hereditary cancer-predisposing syndrome. Last evaluated: 2016-10-17. Review status: criteria provided, single submitter. Criteria: ACMG Guidelines, 2015. Collection method: clinical testing. Allele origin: germline.

Ambry Genetics
Classification: Likely benign for Hereditary cancer-predisposing syndrome. Last evaluated: 2015-05-09. Review status: criteria provided, single submitter. Criteria: Ambry Variant Classification Scheme 2023. Collection method: clinical testing. Allele origin: germline.